The following is an entry in ClinVar:

ClinVar aggregate classification (germline): Conflicting classifications of pathogenicity. Review status: criteria provided, conflicting classifications (1 of 4 stars). 5 submissions from 5 submitters: Uncertain significance (2); Benign (2); Likely benign (1). Last evaluated 2025-12-15.

Conditions:
Emery-Dreifuss muscular dystrophy 5, autosomal dominant (EDMD5). Also called: EMERY-DREIFUSS MUSCULAR DYSTROPHY 5. Identifiers: Orphanet 261, MedGen C2751805, MONDO:0013072, OMIM 612999.

Allele frequency attached by ClinVar (database versions not stated): TOPMed 0.00007; gnomAD exomes 0.00008 and 0.00018; gnomAD 0.00010 and 0.00011; ExAC 0.00012; ESP Exome Variant Server 0.00031.
gnomAD v4.1: 279 of 1,613,914 alleles (0.017%); highest among the groups gnomAD compares: Non-Finnish European, 0.021%; no homozygotes.

Submissions (5):

Ambry Genetics
Classification: Uncertain significance. Last evaluated: 2025-12-15. Review status: criteria provided, single submitter. Criteria: Ambry Variant Classification Scheme 2023. Collection method: clinical testing. Allele origin: germline.

Labcorp Genetics (formerly Invitae), Labcorp
Classification: Uncertain significance for Emery-Dreifuss muscular dystrophy 5, autosomal dominant. Last evaluated: 2024-10-30. Review status: criteria provided, single submitter. Criteria: Invitae Variant Classification Sherloc (09022015). Collection method: clinical testing. Allele origin: germline.
Comment: This sequence change replaces aspartic acid, which is acidic and polar, with asparagine, which is neutral and polar, at codon 4127 of the SYNE2 protein (p.Asp4127Asn). This variant is present in population databases (rs145874555, gnomAD 0.02%). This variant has not been reported in the literature in individuals affected with SYNE2-related conditions. ClinVar contains an entry for this variant (Variation ID: 883622). An algorithm developed to predict the effect of missense changes on protein structure and function (PolyPhen-2) suggests that this variant is likely to be tolerated. In summary, the available evidence is currently insufficient to determine the role of this variant in disease. Therefore, it has been classified as a Variant of Uncertain Significance.

Revvity Omics, Revvity
Classification: Benign for Emery-Dreifuss muscular dystrophy 5, autosomal dominant. Last evaluated: 2024-02-05. Review status: criteria provided, single submitter. Criteria: ACMG Guidelines, 2015. Collection method: clinical testing. Allele origin: germline.

CeGaT Center for Human Genetics Tuebingen
Classification: Likely benign. Last evaluated: 2022-09-01. Review status: criteria provided, single submitter. Criteria: CeGaT Center For Human Genetics Tuebingen Variant Classification Criteria Version 2. Collection method: clinical testing. Allele origin: germline. Affected: yes. Observed: 1 variant allele.
Comment: SYNE2: BP4, BP5

Illumina Laboratory Services, Illumina
Classification: Benign for Emery-Dreifuss muscular dystrophy 5, autosomal dominant. Last evaluated: 2018-01-13. Review status: criteria provided, single submitter. Criteria: ICSL Variant Classification Criteria 13 December 2019. Collection method: clinical testing. Allele origin: germline.
Comment: This variant was observed in the ICSL laboratory as part of a predisposition screen in an ostensibly healthy population. It had not been previously curated by ICSL or reported in the Human Gene Mutation Database (HGMD: prior to June 1st, 2018), and was therefore a candidate for classification through an automated scoring system. Utilizing variant allele frequency, disease prevalence and penetrance estimates, and inheritance mode, an automated score was calculated to assess if this variant is too frequent to cause the disease. Based on the score and internal cut-off values, a variant classified as benign is not then subjected to further curation. The score for this variant resulted in a classification of benign for this disease.

NM_182914.3(SYNE2):c.12379G>A (p.Asp4127Asn)

Gene: SYNE2 (spectrin repeat containing nuclear envelope protein 2; plus strand). Cytogenetic location: 14q23.2.
Variant type: single nucleotide variant.
Coding change: c.12379G>A on transcript NM_182914.3 (MANE Select); coding-DNA position 12379, G replaced by A.
Protein change: p.Asp4127Asn; replaces aspartic acid 4127 with asparagine.
Molecular consequence: missense variant.
Genome position (GRCh38, 1-based): chr14:64,098,819, G>A. VCF-style: chr14-64098819-G-A. GRCh37 (hg19) VCF-style: chr14-64565537-G-A.
Other names: c.12379G>A, p.Asp4127Asn (NM_015180.6); short protein forms D4127N.
Identifiers: ClinVar variation 883622 (VCV000883622.41), dbSNP rs145874555, ClinGen allele CA7222101.